The following is an entry in ClinVar:

NM_005006.7(NDUFS1):c.1380T>G (p.His460Gln)

Gene: NDUFS1 (NADH:ubiquinone oxidoreductase core subunit S1; minus strand). Cytogenetic location: 2q33.3.
Variant type: single nucleotide variant.
Coding change: c.1380T>G on transcript NM_005006.7 (MANE Select); coding-DNA position 1380, T replaced by G.
Protein change: p.His460Gln; replaces histidine 460 with glutamine.
Molecular consequence: missense variant.
Genome position (GRCh38, 1-based): chr2:206,138,497, A>C on the plus strand (T>G on the coding strand, the complement: NDUFS1 is on the minus strand). VCF-style: chr2-206138497-A-C. GRCh37 (hg19) VCF-style: chr2-207003221-A-C.
Other names: c.1272T>G, p.His424Gln (NM_001199981.2); c.1047T>G, p.His349Gln (NM_001199982.2); c.1209T>G, p.His403Gln (NM_001199983.2); c.1422T>G, p.His474Gln (NM_001199984.2); short protein forms H474Q, H460Q, H424Q, H349Q, H403Q.
Identifiers: ClinVar variation 1914256 (VCV001914256.4), dbSNP rs202214721, ClinGen allele CA2070478.

ClinVar aggregate classification (germline): Uncertain significance (1 of 4 stars; one submission).

Allele frequency attached by ClinVar (database versions not stated): gnomAD 0.00001; gnomAD exomes 0.00003; TOPMed 0.00004; ExAC 0.00006; 1000 Genomes Project 30x 0.00016; 1000 Genomes Project 0.00020.

Submission:

Labcorp Genetics (formerly Invitae), Labcorp
Classification: Uncertain significance. Last evaluated: 2022-07-17. Review status: criteria provided, single submitter. Criteria: Invitae Variant Classification Sherloc (09022015). Collection method: clinical testing. Allele origin: germline.
Comment: This variant is present in population databases (rs202214721, gnomAD 0.1%). This sequence change replaces histidine, which is basic and polar, with glutamine, which is neutral and polar, at codon 460 of the NDUFS1 protein (p.His460Gln). This variant has not been reported in the literature in individuals affected with NDUFS1-related conditions. Algorithms developed to predict the effect of missense changes on protein structure and function are either unavailable or do not agree on the potential impact of this missense change (SIFT: "Tolerated"; PolyPhen-2: "Probably Damaging"; Align-GVGD: "Class C0"). In summary, the available evidence is currently insufficient to determine the role of this variant in disease. Therefore, it has been classified as a Variant of Uncertain Significance.